The following is an entry in ClinVar:

NM_001690.4(ATP6V1A):c.410C>T (p.Pro137Leu)

Gene: ATP6V1A (ATPase H+ transporting V1 subunit A; plus strand). Cytogenetic location: 3q13.31.
Variant type: single nucleotide variant.
Coding change: c.410C>T on transcript NM_001690.4 (MANE Select); coding-DNA position 410, C replaced by T.
Protein change: p.Pro137Leu; replaces proline 137 with leucine.
Molecular consequence: missense variant.
Genome position (GRCh38, 1-based): chr3:113,784,422, C>T. VCF-style: chr3-113784422-C-T. GRCh37 (hg19) VCF-style: chr3-113503269-C-T.
Other names: c.410C>T (NM_001690.3); short protein forms P137L.
Identifiers: ClinVar variation 2063907 (VCV002063907.27), dbSNP rs142398138, ClinGen allele CA2547819.

ClinVar aggregate classification (germline): Conflicting classifications of pathogenicity. Review status: criteria provided, conflicting classifications (1 of 4 stars). 3 submissions from 3 submitters: Uncertain significance (2); Likely benign (1). Last evaluated 2026-07-10.

Conditions:
ATP6V1A-related disorder. Also called: ATP6V1A-related condition.

Allele frequency attached by ClinVar (database versions not stated): 1000 Genomes Project 30x 0.00016; 1000 Genomes Project 0.00020; gnomAD 0.00026; TOPMed 0.00031; ESP Exome Variant Server 0.00046; gnomAD exomes 0.00061; ExAC 0.00076.
gnomAD v4.1: 920 of 1,611,650 alleles (0.057%); highest among the groups gnomAD compares: South Asian, 0.17%; 1 homozygote.

Submissions (3):

PreventionGenetics, part of Exact Sciences
Classification: Likely benign for ATP6V1A-related condition. Last evaluated: 2026-07-10. Review status: criteria provided, single submitter. Criteria: ACMG Guidelines, 2015. Collection method: clinical testing. Allele origin: germline.
Comment: This variant is classified as likely benign based on ACMG/AMP sequence variant interpretation guidelines (Richards et al. 2015 PMID: 25741868, with internal and published modifications).

Labcorp Genetics (formerly Invitae), Labcorp
Classification: Uncertain significance. Last evaluated: 2026-01-21. Review status: criteria provided, single submitter. Criteria: Invitae Variant Classification Sherloc (09022015). Collection method: clinical testing. Allele origin: germline.
Comment: This sequence change replaces proline, which is neutral and non-polar, with leucine, which is neutral and non-polar, at codon 137 of the ATP6V1A protein (p.Pro137Leu). This variant is present in population databases (rs142398138, gnomAD 0.2%), and has an allele count higher than expected for a pathogenic variant. This variant has not been reported in the literature in individuals affected with ATP6V1A-related conditions. ClinVar contains an entry for this variant (Variation ID: 2063907). Invitae Evidence Modeling of protein sequence and biophysical properties (such as structural, functional, and spatial information, amino acid conservation, physicochemical variation, residue mobility, and thermodynamic stability) indicates that this missense variant is not expected to disrupt ATP6V1A protein function with a negative predictive value of 80%. In summary, the available evidence is currently insufficient to determine the role of this variant in disease. Therefore, it has been classified as a Variant of Uncertain Significance.

CeGaT Center for Human Genetics Tuebingen
Classification: Uncertain significance. Last evaluated: 2024-02-01. Review status: criteria provided, single submitter. Criteria: CeGaT Center For Human Genetics Tuebingen Variant Classification Criteria Version 2. Collection method: clinical testing. Allele origin: germline. Affected: yes. Observed: 1 variant allele.